The following is an entry in ClinVar:

ClinVar aggregate classification (germline): Uncertain significance. Review status: criteria provided, multiple submitters, no conflicts (2 of 4 stars). 2 submissions from 2 submitters: Uncertain significance (2). Last evaluated 2025-05-26.

Allele frequency attached by ClinVar (database versions not stated): TOPMed below 0.00001; gnomAD exomes 0.00001; gnomAD 0.00002.
gnomAD v4.1: 16 of 1,567,882 alleles (0.001%); highest among the groups gnomAD compares: Non-Finnish European, 0.0014%; no homozygotes.

Submissions (2):

Ambry Genetics
Classification: Uncertain significance. Last evaluated: 2025-05-26. Review status: criteria provided, single submitter. Criteria: Ambry Variant Classification Scheme 2023. Collection method: clinical testing. Allele origin: germline.

Labcorp Genetics (formerly Invitae), Labcorp
Classification: Uncertain significance. Last evaluated: 2022-05-31. Review status: criteria provided, single submitter. Criteria: Invitae Variant Classification Sherloc (09022015). Collection method: clinical testing. Allele origin: germline.
Comment: In summary, the available evidence is currently insufficient to determine the role of this variant in disease. Therefore, it has been classified as a Variant of Uncertain Significance. This sequence change replaces serine, which is neutral and polar, with threonine, which is neutral and polar, at codon 1793 of the CACNA1B protein (p.Ser1793Thr). This variant is not present in population databases (gnomAD no frequency). This variant has not been reported in the literature in individuals affected with CACNA1B-related conditions. Advanced modeling of protein sequence and biophysical properties (such as structural, functional, and spatial information, amino acid conservation, physicochemical variation, residue mobility, and thermodynamic stability) performed at Invitae indicates that this missense variant is not expected to disrupt CACNA1B protein function.

NM_000718.4(CACNA1B):c.5377T>A (p.Ser1793Thr)

Gene: CACNA1B (calcium voltage-gated channel subunit alpha1 B; plus strand). Cytogenetic location: 9q34.3.
Variant type: single nucleotide variant.
Coding change: c.5377T>A on transcript NM_000718.4 (MANE Select); coding-DNA position 5377, T replaced by A.
Protein change: p.Ser1793Thr; replaces serine 1793 with threonine.
Molecular consequence: missense variant.
Genome position (GRCh38, 1-based): chr9:138,105,756, T>A. VCF-style: chr9-138105756-T-A. GRCh37 (hg19) VCF-style: chr9-141000208-T-A.
Other names: c.5377T>A, p.Ser1793Thr (NM_001243812.2); c.5377T>A (NM_000718.3); short protein forms S1793T.
Identifiers: ClinVar variation 1902976 (VCV001902976.6), dbSNP rs1291768942, ClinGen allele CA375814089.